The following is an entry in ClinVar:

NM_000158.4(GBE1):c.193G>A (p.Gly65Ser)

Gene: GBE1 (1,4-alpha-glucan branching enzyme 1; minus strand). Cytogenetic location: 3p12.2.
Variant type: single nucleotide variant.
Coding change: c.193G>A on transcript NM_000158.4 (MANE Select); coding-DNA position 193, G replaced by A.
Protein change: p.Gly65Ser; replaces glycine 65 with serine.
Molecular consequence: missense variant.
Genome position (GRCh38, 1-based): chr3:81,705,564, C>T on the plus strand (G>A on the coding strand, the complement: GBE1 is on the minus strand). VCF-style: chr3-81705564-C-T. GRCh37 (hg19) VCF-style: chr3-81754715-C-T.
Other names: p.Gly65Ser; c.193G>A (NM_000158.3); short protein forms G65S.
Identifiers: ClinVar variation 2158833 (VCV002158833.3), dbSNP rs771039289, ClinGen allele CA2500038.

ClinVar aggregate classification (germline): Uncertain significance. Review status: criteria provided, multiple submitters, no conflicts (2 of 4 stars). 3 submissions from 3 submitters: Uncertain significance (3). Last evaluated 2025-05-16.

Conditions:
Inborn genetic diseases. Identifiers: MedGen C0950123, MeSH D030342.
Glycogen storage disease IV, classic hepatic. Also called: GSD IV, CLASSIC HEPATIC. Identifiers: MedGen C1856301.
Glycogen storage disease, type IV (GSD4). Also called: Glycogen storage disease due to glycogen branching enzyme deficiency; AMYLOPECTINOSIS; ANDERSEN DISEASE; BRANCHER DEFICIENCY; CIRRHOSIS, FAMILIAL, WITH DEPOSITION OF ABNORMAL GLYCOGEN; GBE1 DEFICIENCY. Identifiers: Orphanet 367, MedGen C0017923, MONDO:0009292, OMIM 232500.

Allele frequency attached by ClinVar (database versions not stated): gnomAD exomes 0.00001; ExAC 0.00002; gnomAD 0.00003; TOPMed 0.00003.
gnomAD v4.1: 8 of 1,584,616 alleles (0.0005%); highest among the groups gnomAD compares: Non-Finnish European, 0.00069%; no homozygotes.

Submissions (3):

Ambry Genetics
Classification: Uncertain significance for Inborn genetic diseases. Last evaluated: 2025-05-16. Review status: criteria provided, single submitter. Criteria: Ambry Variant Classification Scheme 2023. Collection method: clinical testing. Allele origin: germline.

Mayo Clinic Laboratories, Mayo Clinic
Classification: Uncertain significance. Last evaluated: 2025-02-01. Review status: criteria provided, single submitter. Criteria: ACMG Guidelines, 2015. Collection method: clinical testing. Allele origin: germline. Observed: 1 variant allele.
Comment: BP4

Labcorp Genetics (formerly Invitae), Labcorp
Classification: Uncertain significance for Glycogen storage disease, type IV; Glycogen storage disease IV, classic hepatic. Last evaluated: 2022-04-13. Review status: criteria provided, single submitter. Criteria: Invitae Variant Classification Sherloc (09022015). Collection method: clinical testing. Allele origin: germline.
Comment: This sequence change replaces glycine, which is neutral and non-polar, with serine, which is neutral and polar, at codon 65 of the GBE1 protein (p.Gly65Ser). The frequency data for this variant in the population databases is considered unreliable, as metrics indicate poor data quality at this position in the gnomAD database. This variant has not been reported in the literature in individuals affected with GBE1-related conditions. Advanced modeling of protein sequence and biophysical properties (such as structural, functional, and spatial information, amino acid conservation, physicochemical variation, residue mobility, and thermodynamic stability) performed at Invitae indicates that this missense variant is not expected to disrupt GBE1 protein function. In summary, the available evidence is currently insufficient to determine the role of this variant in disease. Therefore, it has been classified as a Variant of Uncertain Significance.